The following is an entry in ClinVar:

ClinVar aggregate classification (germline): Benign/Likely benign. Review status: criteria provided, multiple submitters, no conflicts (2 of 4 stars). 3 submissions from 3 submitters: Benign (2); Likely benign (1). Last evaluated 2023-04-01.

Conditions:
Immunodeficiency 104. Also called: Severe combined immunodeficiency, autosomal recessive, T cell-negative, B cell-positive, NK cell-positive; SCID, AUTOSOMAL RECESSIVE, T CELL-NEGATIVE, B CELL-POSITIVE, NK CELL-POSITIVE; Severe Combined Immune Deficiency, Autosomal Recessive, TCell -Negative, B Cell-Positive, NK Cell-Positive, IL7R-Related; IMMUNODEFICIENCY 104, SEVERE COMBINED. Identifiers: MedGen C5676890, MONDO:0012163, OMIM 608971.

Allele frequency attached by ClinVar (database versions not stated): 1000 Genomes Project 30x 0.00328; 1000 Genomes Project 0.00339; TOPMed 0.00525; gnomAD 0.00625 and 0.00647; ESP Exome Variant Server 0.00690.
gnomAD v4.1: 12,802 of 1,597,500 alleles (0.8%); highest among the groups gnomAD compares: Non-Finnish European, 0.94%; 66 homozygotes.

Submissions (3):

CeGaT Center for Human Genetics Tuebingen
Classification: Benign. Last evaluated: 2023-04-01. Review status: criteria provided, single submitter. Criteria: CeGaT Center For Human Genetics Tuebingen Variant Classification Criteria Version 2. Collection method: clinical testing. Allele origin: germline. Affected: yes. Observed: 2 variant alleles.
Comment: IL7R: BS1, BS2

GeneDx
Classification: Likely benign. Last evaluated: 2020-07-07. Review status: criteria provided, single submitter. Criteria: GeneDx Variant Classification Process June 2021. Collection method: clinical testing. Allele origin: germline. Affected: yes.

Illumina Laboratory Services, Illumina
Classification: Benign for Immunodeficiency 104. Last evaluated: 2018-01-12. Review status: criteria provided, single submitter. Criteria: ICSL Variant Classification Criteria 13 December 2019. Collection method: clinical testing. Allele origin: germline.
Comment: This variant was observed in the ICSL laboratory as part of a predisposition screen in an ostensibly healthy population. It had not been previously curated by ICSL or reported in the Human Gene Mutation Database (HGMD: prior to June 1st, 2018), and was therefore a candidate for classification through an automated scoring system. Utilizing variant allele frequency, disease prevalence and penetrance estimates, and inheritance mode, an automated score was calculated to assess if this variant is too frequent to cause the disease. Based on the score and internal cut-off values, a variant classified as benign is not then subjected to further curation. The score for this variant resulted in a classification of benign for this disease.

NM_002185.5(IL7R):c.*42A>G

Gene: IL7R (interleukin 7 receptor; plus strand). Cytogenetic location: 5p13.2.
Variant type: single nucleotide variant.
Coding change: c.*42A>G on transcript NM_002185.5 (MANE Select); 42 bases downstream of the stop codon, A replaced by G.
Molecular consequence: 3 prime UTR variant. On other transcripts: non-coding transcript variant (1).
Genome position (GRCh38, 1-based): chr5:35,876,528, A>G. VCF-style: chr5-35876528-A-G. GRCh37 (hg19) VCF-style: chr5-35876630-A-G.
Identifiers: ClinVar variation 906206 (VCV000906206.31), dbSNP rs145513117, ClinGen allele CA3232246.